The following is an entry in ClinVar:

NM_001375524.1(TRRAP):c.7652A>T (p.Gln2551Leu)

Gene: TRRAP (transformation/transcription domain associated protein; plus strand). Cytogenetic location: 7q22.1.
Variant type: single nucleotide variant.
Coding change: c.7652A>T on transcript NM_001375524.1 (MANE Select); coding-DNA position 7652, A replaced by T.
Protein change: p.Gln2551Leu; replaces glutamine 2551 with leucine.
Molecular consequence: missense variant.
Genome position (GRCh38, 1-based): chr7:98,970,251, A>T. VCF-style: chr7-98970251-A-T. GRCh37 (hg19) VCF-style: chr7-98567874-A-T.
Other names: c.7577A>T, p.Gln2526Leu (NM_003496.4); c.7631A>T, p.Gln2544Leu (NM_001244580.2); short protein forms Q2526L, Q2544L, Q2551L.
Identifiers: ClinVar variation 2637267 (VCV002637267.1), dbSNP rs1246395640, ClinGen allele CA368296523.

ClinVar aggregate classification (germline): Uncertain significance (1 of 4 stars; one submission).

Conditions:
TRRAP-related disorder. Also called: TRRAP-related condition.

Allele frequency attached by ClinVar (database versions not stated): TOPMed 0.00001.

Submission:

PreventionGenetics, part of Exact Sciences
Classification: Uncertain significance for TRRAP-related condition. Last evaluated: 2022-09-28. Review status: criteria provided, single submitter. Criteria: ACMG Guidelines, 2015. Collection method: clinical testing. Allele origin: germline.
Comment: The TRRAP c.7577A>T variant is predicted to result in the amino acid substitution p.Gln2526Leu. To our knowledge, this variant has not been reported in the literature or in a large population database, indicating this variant is rare. At this time, the clinical significance of this variant is uncertain due to the absence of conclusive functional and genetic evidence.